The following is an entry in ClinVar:

NM_018834.6(MATR3):c.2374A>G (p.Ile792Val)

Gene: MATR3 (matrin 3; plus strand). Cytogenetic location: 5q31.2.
Variant type: single nucleotide variant.
Coding change: c.2374A>G on transcript NM_018834.6 (MANE Select); coding-DNA position 2374, A replaced by G.
Protein change: p.Ile792Val; replaces isoleucine 792 with valine.
Molecular consequence: missense variant.
Genome position (GRCh38, 1-based): chr5:139,326,165, A>G. VCF-style: chr5-139326165-A-G. GRCh37 (hg19) VCF-style: chr5-138661854-A-G.
Other names: c.2374A>G, p.Ile792Val (NM_001194954.2, NM_001194955.2, NM_199189.3); c.1510A>G, p.Ile504Val (NM_001194956.2); c.1360A>G, p.Ile454Val (NM_001282278.2); c.2374A>G (NM_199189.2); short protein forms I792V, I454V, I504V.
Identifiers: ClinVar variation 1396414 (VCV001396414.9), dbSNP rs766453846, ClinGen allele CA3433447.

ClinVar aggregate classification (germline): Uncertain significance. Review status: criteria provided, multiple submitters, no conflicts (2 of 4 stars). 2 submissions from 2 submitters: Uncertain significance (2). Last evaluated 2024-03-21.

Conditions:
Inborn genetic diseases. Identifiers: MedGen C0950123, MeSH D030342.
Amyotrophic lateral sclerosis type 21. Also called: MYOPATHY, DISTAL, 2; VOCAL CORD AND PHARYNGEAL DYSFUNCTION WITH DISTAL MYOPATHY. Identifiers: Orphanet 600, Orphanet 803, MedGen C3807521, MONDO:0011632, OMIM 606070.

Allele frequency attached by ClinVar (database versions not stated): ExAC 0.00002; gnomAD exomes 0.00002 and 0.00003; TOPMed 0.00005; gnomAD 0.00006.
gnomAD v4.1: 36 of 1,599,312 alleles (0.0023%); highest among the groups gnomAD compares: East Asian, 0.043%; no homozygotes.

Submissions (2):

Ambry Genetics
Classification: Uncertain significance for Inborn genetic diseases. Last evaluated: 2024-03-21. Review status: criteria provided, single submitter. Criteria: Ambry Variant Classification Scheme 2023. Collection method: clinical testing. Allele origin: germline.

Labcorp Genetics (formerly Invitae), Labcorp
Classification: Uncertain significance for Amyotrophic lateral sclerosis type 21. Last evaluated: 2022-08-16. Review status: criteria provided, single submitter. Criteria: Invitae Variant Classification Sherloc (09022015). Collection method: clinical testing. Allele origin: germline.
Comment: In summary, the available evidence is currently insufficient to determine the role of this variant in disease. Therefore, it has been classified as a Variant of Uncertain Significance. Algorithms developed to predict the effect of missense changes on protein structure and function output the following: SIFT: "Tolerated"; PolyPhen-2: "Benign"; Align-GVGD: "Class C0". The valine amino acid residue is found in multiple mammalian species, which suggests that this missense change does not adversely affect protein function. ClinVar contains an entry for this variant (Variation ID: 1396414). This variant has not been reported in the literature in individuals affected with MATR3-related conditions. This variant is present in population databases (rs766453846, gnomAD 0.02%). This sequence change replaces isoleucine, which is neutral and non-polar, with valine, which is neutral and non-polar, at codon 792 of the MATR3 protein (p.Ile792Val).